The following is an entry in ClinVar:

NM_002225.5(IVD):c.922G>T (p.Val308Leu)

Gene: IVD (isovaleryl-CoA dehydrogenase; plus strand). Cytogenetic location: 15q15.1.
Variant type: single nucleotide variant.
Coding change: c.922G>T on transcript NM_002225.5 (MANE Select); coding-DNA position 922, G replaced by T.
Protein change: p.Val308Leu; replaces valine 308 with leucine.
Molecular consequence: missense variant. On other transcripts: non-coding transcript variant (1).
Genome position (GRCh38, 1-based): chr15:40,415,444, G>T. VCF-style: chr15-40415444-G-T. GRCh37 (hg19) VCF-style: chr15-40707643-G-T.
Other names: c.1009G>T, p.Val337Leu (NM_001354599.3, NM_001354600.3); c.922G>T, p.Val308Leu (NM_001354601.3, NM_001354598.3); c.832G>T, p.Val278Leu (NM_001159508.3); c.874G>T, p.Val292Leu (NM_001354597.3); short protein forms V278L, V292L, V308L, V337L.
Identifiers: ClinVar variation 4854811 (VCV004854811.1).

ClinVar aggregate classification (germline): Uncertain significance (1 of 4 stars; one submission).

Conditions:
Isovaleryl-CoA dehydrogenase deficiency (IVA). Also called: ISOVALERIC ACID CoA DEHYDROGENASE DEFICIENCY; Classic Isovaleric Acidemia; Isovaleric acidemia; IVD DEFICIENCY. Identifiers: Orphanet 33, MedGen C0268575, MONDO:0009475, OMIM 243500.

gnomAD v4.1: 1 of 1,614,182 alleles (0.000062%); highest among the groups gnomAD compares: Non-Finnish European, 0.000085%; no homozygotes.

Submission:

3billion
Classification: Uncertain significance for Isovaleryl-CoA dehydrogenase deficiency. Last evaluated: 2025-11-27. Review status: criteria provided, single submitter. Criteria: ACMG Guidelines, 2015. Collection method: clinical testing. Allele origin: germline. Affected: yes.
Comment: The variant is observed at an extremely low frequency in the gnomAD v4.1.0 dataset (total allele frequency: <0.001%). Predicted Consequence/Location: Missense variant In silico tool predictions suggest damaging effect of the variant on gene or gene product [REVEL: 0.44 (>=0.6, sensitivity 0.68 and specificity 0.92); 3Cnet: 0.94 (> 0.75, sensitivity 0.96 and precision 0.92)]. Therefore, this variant is classified as VUS according to the recommendation of ACMG/AMP guideline.